The following is an entry in ClinVar:

ClinVar aggregate classification (germline): Uncertain significance (1 of 4 stars; one submission).

Conditions:
Alstrom syndrome (ALMS). Identifiers: Orphanet 64, MedGen C0268425, MONDO:0008763, OMIM 203800.

Submission:

Labcorp Genetics (formerly Invitae), Labcorp
Classification: Uncertain significance for Alstrom syndrome. Last evaluated: 2023-06-16. Review status: criteria provided, single submitter. Criteria: Invitae Variant Classification Sherloc (09022015). Collection method: clinical testing. Allele origin: germline.
Comment: This sequence change replaces leucine, which is neutral and non-polar, with isoleucine, which is neutral and non-polar, at codon 1223 of the ALMS1 protein (p.Leu1223Ile). This variant is not present in population databases (gnomAD no frequency). This variant has not been reported in the literature in individuals affected with ALMS1-related conditions. ClinVar contains an entry for this variant (Variation ID: 2159106). Experimental studies and prediction algorithms are not available or were not evaluated, and the functional significance of this variant is currently unknown. In summary, the available evidence is currently insufficient to determine the role of this variant in disease. Therefore, it has been classified as a Variant of Uncertain Significance.

NM_001378454.1(ALMS1):c.3664C>A (p.Leu1222Ile)

Gene: ALMS1 (ALMS1 centrosome and basal body associated protein; plus strand). Cytogenetic location: 2p13.1.
Variant type: single nucleotide variant.
Coding change: c.3664C>A on transcript NM_001378454.1 (MANE Select); coding-DNA position 3664, C replaced by A.
Protein change: p.Leu1222Ile; replaces leucine 1222 with isoleucine.
Molecular consequence: missense variant.
Genome position (GRCh38, 1-based): chr2:73,450,191, C>A. VCF-style: chr2-73450191-C-A. GRCh37 (hg19) VCF-style: chr2-73677318-C-A.
Other names: c.3667C>A, p.Leu1223Ile (NM_015120.4); short protein forms L1222I, L1223I.
Identifiers: ClinVar variation 2159106 (VCV002159106.4), dbSNP rs2466098938, ClinGen allele CA347276171.